The following is an entry in ClinVar:

NM_001429.4(EP300):c.5727C>T (p.Thr1909=)

Gene: EP300 (EP300 lysine acetyltransferase; plus strand). Cytogenetic location: 22q13.2.
Variant type: single nucleotide variant.
Coding change: c.5727C>T on transcript NM_001429.4 (MANE Select); coding-DNA position 5727, C replaced by T.
Protein change: p.Thr1909=; no amino-acid change (threonine 1909 retained).
Molecular consequence: synonymous variant.
Genome position (GRCh38, 1-based): chr22:41,177,438, C>T. VCF-style: chr22-41177438-C-T. GRCh37 (hg19) VCF-style: chr22-41573442-C-T.
Other names: c.5727C>T (NM_001429.3); c.5649C>T, p.Thr1883= (NM_001362843.2).
Identifiers: ClinVar variation 2719676 (VCV002719676.4), dbSNP rs149418364, ClinGen allele CA10253702.

ClinVar aggregate classification (germline): Benign. Review status: criteria provided, single submitter (1 of 4 stars). 2 submissions from 2 submitters: Benign (1). 1 of the submissions does not count toward it. Last evaluated 2024-08-06.

Conditions:
EP300-related disorder. Also called: EP300-related condition; EP300-related disorders.
Rubinstein-Taybi syndrome due to EP300 haploinsufficiency. Also called: RUBINSTEIN-TAYBI SYNDROME 2; EP300-Related Rubinstein-Taybi Syndrome. Identifiers: Orphanet 353284, Orphanet 783, MedGen C3150941, MONDO:0013364, OMIM 613684.

Allele frequency attached by ClinVar (database versions not stated): ExAC 0.00001; gnomAD 0.00002; TOPMed 0.00002; ESP Exome Variant Server 0.00008.
gnomAD v4.1: 139 of 1,614,092 alleles (0.0086%); highest among the groups gnomAD compares: Non-Finnish European, 0.011%; no homozygotes.

Submissions (2):

Labcorp Genetics (formerly Invitae), Labcorp
Classification: Benign for Rubinstein-Taybi syndrome due to EP300 haploinsufficiency. Last evaluated: 2024-08-06. Review status: criteria provided, single submitter. Criteria: Invitae Variant Classification Sherloc (09022015). Collection method: clinical testing. Allele origin: germline.

PreventionGenetics, part of Exact Sciences
Classification: Likely benign for EP300-related condition. Last evaluated: 2023-10-12. Review status: no assertion criteria provided. Collection method: clinical testing. Allele origin: germline. Not counted in ClinVar's aggregate classification.
Comment: This variant is classified as likely benign based on ACMG/AMP sequence variant interpretation guidelines (Richards et al. 2015 PMID: 25741868, with internal and published modifications).